The following is an entry in ClinVar:

NM_014363.6(SACS):c.12075T>G (p.Asn4025Lys)

Gene: SACS (sacsin molecular chaperone; minus strand). Cytogenetic location: 13q12.12.
Variant type: single nucleotide variant.
Coding change: c.12075T>G on transcript NM_014363.6 (MANE Select); coding-DNA position 12075, T replaced by G.
Protein change: p.Asn4025Lys; replaces asparagine 4025 with lysine.
Molecular consequence: missense variant.
Genome position (GRCh38, 1-based): chr13:23,331,801, A>C on the plus strand (T>G on the coding strand, the complement: SACS is on the minus strand). VCF-style: chr13-23331801-A-C. GRCh37 (hg19) VCF-style: chr13-23905940-A-C.
Other names: c.11634T>G, p.Asn3878Lys (NM_001278055.2); short protein forms N3878K, N4025K.
Identifiers: ClinVar variation 836176 (VCV000836176.10), dbSNP rs778310483, ClinGen allele CA6910184.

ClinVar aggregate classification (germline): Conflicting classifications of pathogenicity. Review status: criteria provided, conflicting classifications (1 of 4 stars). 3 submissions from 3 submitters: Uncertain significance (1); Benign (1). 1 of the submissions does not count toward it. Last evaluated 2026-06-04.

Conditions:
Charlevoix-Saguenay spastic ataxia (SACS). Also called: AUTOSOMAL RECESSIVE SPASTIC ATAXIA OF CHARLEVOIX-SAGUENAY; SPASTIC ATAXIA 6, AUTOSOMAL RECESSIVE; Spastic ataxia of Charlevoix-Saguenay. Identifiers: Orphanet 98, MedGen C1849140, MONDO:0010041, OMIM 270550.
SACS-related disorder. Also called: SACS-related condition.
Spastic paraplegia. Identifiers: MedGen C0037772, HP:0001258.

Allele frequency attached by ClinVar (database versions not stated): gnomAD 0.00001; ExAC 0.00002; TOPMed 0.00005.
gnomAD v4.1: 18 of 1,613,860 alleles (0.0011%); highest among the groups gnomAD compares: Admixed American, 0.03%; no homozygotes.

Submissions (3):

PreventionGenetics, part of Exact Sciences
Classification: Uncertain significance for SACS-related condition. Last evaluated: 2026-06-04. Review status: criteria provided, single submitter. Criteria: ACMG Guidelines, 2015. Collection method: clinical testing. Allele origin: germline.
Comment: The SACS c.12075T>G variant is predicted to result in the amino acid substitution p.Asn4025Lys. To our knowledge, this variant has not been reported in the literature. This variant is reported in 0.038% of alleles in individuals of Latino descent in gnomAD. At this time, the clinical significance of this variant is uncertain due to the absence of conclusive functional and genetic evidence.

Labcorp Genetics (formerly Invitae), Labcorp
Classification: Benign for Spastic paraplegia. Last evaluated: 2025-04-09. Review status: criteria provided, single submitter. Criteria: Invitae Variant Classification Sherloc (09022015). Collection method: clinical testing. Allele origin: germline.

Natera, Inc.
Classification: Uncertain significance for Charlevoix-Saguenay type spastic ataxia. Last evaluated: 2020-07-22. Review status: no assertion criteria provided. Collection method: clinical testing. Allele origin: germline. Not counted in ClinVar's aggregate classification.